The following is an entry in ClinVar:

ClinVar aggregate classification (germline): Uncertain significance (1 of 4 stars; one submission).

Conditions:
Lethal multiple pterygium syndrome (LMPS). Identifiers: Orphanet 33108, MedGen C1854678, MONDO:0009668, OMIM 253290.

Allele frequency attached by ClinVar (database versions not stated): TOPMed below 0.00001.

Submission:

Labcorp Genetics (formerly Invitae), Labcorp
Classification: Uncertain significance for Lethal multiple pterygium syndrome. Last evaluated: 2023-10-24. Review status: criteria provided, single submitter. Criteria: Invitae Variant Classification Sherloc (09022015). Collection method: clinical testing. Allele origin: germline.
Comment: This sequence change replaces glutamic acid, which is acidic and polar, with aspartic acid, which is acidic and polar, at codon 389 of the CHRND protein (p.Glu389Asp). This variant is not present in population databases (gnomAD no frequency). This variant has not been reported in the literature in individuals affected with CHRND-related conditions. Advanced modeling of protein sequence and biophysical properties (such as structural, functional, and spatial information, amino acid conservation, physicochemical variation, residue mobility, and thermodynamic stability) performed at Invitae indicates that this missense variant is not expected to disrupt CHRND protein function with a negative predictive value of 95%. In summary, the available evidence is currently insufficient to determine the role of this variant in disease. Therefore, it has been classified as a Variant of Uncertain Significance.

NM_000751.3(CHRND):c.1167G>T (p.Glu389Asp)

Gene: CHRND (cholinergic receptor nicotinic delta subunit; plus strand). Cytogenetic location: 2q37.1.
Variant type: single nucleotide variant.
Coding change: c.1167G>T on transcript NM_000751.3 (MANE Select); coding-DNA position 1167, G replaced by T.
Protein change: p.Glu389Asp; replaces glutamic acid 389 with aspartic acid.
Molecular consequence: missense variant.
Genome position (GRCh38, 1-based): chr2:232,534,050, G>T. VCF-style: chr2-232534050-G-T. GRCh37 (hg19) VCF-style: chr2-233398760-G-T.
Other names: c.1122G>T, p.Glu374Asp (NM_001256657.2); c.585G>T, p.Glu195Asp (NM_001311195.2); c.864G>T, p.Glu288Asp (NM_001311196.2); short protein forms E195D, E288D, E389D, E374D.
Identifiers: ClinVar variation 2768413 (VCV002768413.3), dbSNP rs1407499481, ClinGen allele CA351005166.